The following is an entry in ClinVar:

NM_001330360.2(POLA1):c.4160C>T (p.Pro1387Leu)

Gene: POLA1 (DNA polymerase alpha 1, catalytic subunit; plus strand). Cytogenetic location: Xp22.11.
Variant type: single nucleotide variant.
Coding change: c.4160C>T on transcript NM_001330360.2 (MANE Select); coding-DNA position 4160, C replaced by T.
Protein change: p.Pro1387Leu; replaces proline 1387 with leucine.
Molecular consequence: missense variant.
Genome position (GRCh38, 1-based): chrX:24,888,118, C>T. VCF-style: chrX-24888118-C-T. GRCh37 (hg19) VCF-style: chrX-24906235-C-T.
Other names: c.4142C>T, p.Pro1381Leu (NM_016937.4); short protein forms P1381L, P1387L.
Identifiers: ClinVar variation 627633 (VCV000627633.6), dbSNP rs1569350993, ClinGen allele CA412609578.
Genomic context (GRCh38, chrX:24,888,118, plus strand): 5'-CCCTTCAATTCTCCCGAACTGGGCCTCTTTGCCCAGCCTGCATGAAAGCTACACTTCAAC[C>T]AGAGGTAACAGTCTCATAATGCTAAAGAACCATGTAGAAGAGGGTAGAGGGCTGCTTGCT-3'
Protein context (NP_001317289.1, residues 1377-1397): CPACMKATLQ[Pro1387Leu]EYSDKSLYTQ

ClinVar aggregate classification (germline): Likely pathogenic. Review status: criteria provided, single submitter (1 of 4 stars). 3 submissions from 3 submitters: Likely pathogenic (1). 2 of the submissions do not count toward it.

Conditions:
X-linked intellectual disability, van Esch type. Also called: Van Esch-O'Driscoll syndrome; MENTAL RETARDATION, X-LINKED, SYNDROMIC, VAN ESCH-O''DRISCOLL TYPE. Identifiers: Orphanet 163976, MedGen C4305072, MONDO:0015601, OMIM 301030.

Submissions (3):

Solve-RD Consortium
Classification: Likely pathogenic for X-linked intellectual disability, van Esch type. Review status: criteria provided, single submitter. Criteria: ACMG Guidelines, 2015. Collection method: provider interpretation. Allele origin: germline. Inheritance: Autosomal dominant inheritance. Affected: yes. Study: Solve-RD DIFT-EpiCARE reanalysis.
Comment: PS3, PM2

Variant identified during reanalysis of unsolved cases by the Solve-RD project. The Solve-RD project has received funding from the European Union’s Horizon 2020 research and innovation programme under grant agreement No 779257.

OMIM
Classification: Pathogenic for VAN ESCH-O'DRISCOLL SYNDROME. Last evaluated: 2025-11-06. Review status: no assertion criteria provided. Collection method: literature only. Allele origin: germline. Not counted in ClinVar's aggregate classification.

Center for Human Genetics, University of Leuven
Classification: Pathogenic for X-linked intellectual disability, Van Esch type. Last evaluated: 2019-02-01. Review status: no assertion criteria provided. Collection method: research. Allele origin: inherited. Affected: yes. Observed: 1 variant allele. Not counted in ClinVar's aggregate classification.
Comment: We performed segregation analysis, X-inactivation studies, Western blot and functional studies that support a clear pathogenic effect.

Literature cited by the submitters: PubMed 31006512 (cited by OMIM and Center for Human Genetics, University of Leuven).